The following is an entry in ClinVar:

ClinVar aggregate classification (germline): Uncertain significance. Review status: criteria provided, multiple submitters, no conflicts (2 of 4 stars). 2 submissions from 2 submitters: Uncertain significance (2). Last evaluated 2024-10-16.

Conditions:
Hereditary cancer-predisposing syndrome. Also called: Hereditary Cancer Syndrome; Hereditary neoplastic syndrome; Neoplastic Syndromes, Hereditary; Tumor predisposition. Identifiers: Orphanet 140162, MedGen C0027672, MeSH D009386, MONDO:0015356.
Oligodontia-cancer predisposition syndrome. Also called: TOOTH AGENESIS-COLORECTAL CANCER SYNDROME. Identifiers: Orphanet 300576, MedGen C1837750, MONDO:0012075, OMIM 608615. Disease mechanism: loss of function.

Submissions (2):

Labcorp Genetics (formerly Invitae), Labcorp
Classification: Uncertain significance for Oligodontia-cancer predisposition syndrome. Last evaluated: 2024-10-16. Review status: criteria provided, single submitter. Criteria: Invitae Variant Classification Sherloc (09022015). Collection method: clinical testing. Allele origin: germline.
Comment: This sequence change replaces glycine, which is neutral and non-polar, with arginine, which is basic and polar, at codon 63 of the AXIN2 protein (p.Gly63Arg). This variant is not present in population databases (gnomAD no frequency). This variant has not been reported in the literature in individuals affected with AXIN2-related conditions. ClinVar contains an entry for this variant (Variation ID: 408852). Invitae Evidence Modeling of protein sequence and biophysical properties (such as structural, functional, and spatial information, amino acid conservation, physicochemical variation, residue mobility, and thermodynamic stability) indicates that this missense variant is expected to disrupt AXIN2 protein function with a positive predictive value of 80%. In summary, the available evidence is currently insufficient to determine the role of this variant in disease. Therefore, it has been classified as a Variant of Uncertain Significance.

Ambry Genetics
Classification: Uncertain significance for Hereditary cancer-predisposing syndrome. Last evaluated: 2023-12-23. Review status: criteria provided, single submitter. Criteria: Ambry Variant Classification Scheme 2023. Collection method: clinical testing. Allele origin: germline.
Comment: The p.G63R variant (also known as c.187G>C), located in coding exon 1 of the AXIN2 gene, results from a G to C substitution at nucleotide position 187. The glycine at codon 63 is replaced by arginine, an amino acid with dissimilar properties. This amino acid position is conserved. In addition, the in silico prediction for this alteration is inconclusive. Since supporting evidence is limited at this time, the clinical significance of this alteration remains unclear.

NM_004655.4(AXIN2):c.187G>C (p.Gly63Arg)

Gene: AXIN2 (axin 2; minus strand). Cytogenetic location: 17q24.1.
Variant type: single nucleotide variant.
Coding change: c.187G>C on transcript NM_004655.4 (MANE Select); coding-DNA position 187, G replaced by C.
Protein change: p.Gly63Arg; replaces glycine 63 with arginine.
Molecular consequence: missense variant.
Genome position (GRCh38, 1-based): chr17:65,558,434, C>G on the plus strand (G>C on the coding strand, the complement: AXIN2 is on the minus strand). VCF-style: chr17-65558434-C-G. GRCh37 (hg19) VCF-style: chr17-63554552-C-G.
Other names: c.187G>C (LRG_296t1); c.187G>C, p.Gly63Arg (NM_001363813.1); short protein forms G63R.
Identifiers: ClinVar variation 408852 (VCV000408852.9), dbSNP rs1060502158, ClinGen allele CA16615643.